The following is an entry in ClinVar:

ClinVar aggregate classification (germline): Uncertain significance (1 of 4 stars; one submission).

Conditions:
Hereditary sensory and autonomic neuropathy type 6. Also called: Neuropathy, hereditary sensory and autonomic, type VI; HSAN VI. Identifiers: Orphanet 314381, MedGen C3539003, MONDO:0013839, OMIM 614653.
Epidermolysis bullosa simplex 3, localized or generalized intermediate, with BP230 deficiency (EBS3). Also called: Epidermolysis bullosa simplex due to BP230 deficiency; Epidermolysis bullosa simplex, autosomal recessive 2. Identifiers: Orphanet 412181, MedGen C3809470, MONDO:0014180, OMIM 615425.

Allele frequency attached by ClinVar (database versions not stated): 1000 Genomes Project 30x 0.00016.
gnomAD v4.1: 21 of 1,614,148 alleles (0.0013%); highest among the groups gnomAD compares: East Asian, 0.042%; no homozygotes.

Submission:

Labcorp Genetics (formerly Invitae), Labcorp
Classification: Uncertain significance for Epidermolysis bullosa simplex 3, localized or generalized intermediate, with BP230 deficiency; Hereditary sensory and autonomic neuropathy type 6. Last evaluated: 2021-08-01. Review status: criteria provided, single submitter. Criteria: Invitae Variant Classification Sherloc (09022015). Collection method: clinical testing. Allele origin: germline.
Comment: This sequence change replaces histidine with leucine at codon 1356 of the DST protein (p.His1356Leu). The histidine residue is weakly conserved and there is a moderate physicochemical difference between histidine and leucine. This variant is present in population databases (rs200382338, ExAC 0.09%). This variant has not been reported in the literature in individuals affected with DST-related conditions. Algorithms developed to predict the effect of missense changes on protein structure and function are either unavailable or do not agree on the potential impact of this missense change (SIFT: "Deleterious"; PolyPhen-2: "Benign"; Align-GVGD: "Class C0"). In summary, the available evidence is currently insufficient to determine the role of this variant in disease. Therefore, it has been classified as a Variant of Uncertain Significance.

NM_001723.7(DST):c.4067A>T (p.His1356Leu)

Gene: DST (dystonin; minus strand). Cytogenetic location: 6p12.1.
Variant type: single nucleotide variant.
Coding change: c.4067A>T on transcript NM_001723.7 (MANE Plus Clinical); coding-DNA position 4067, A replaced by T.
Protein change: p.His1356Leu; replaces histidine 1356 with leucine.
Molecular consequence: missense variant. On other transcripts: intron variant (10).
Genome position (GRCh38, 1-based): chr6:56,619,967, T>A on the plus strand (A>T on the coding strand, the complement: DST is on the minus strand). VCF-style: chr6-56619967-T-A. GRCh37 (hg19) VCF-style: chr6-56484765-T-A.
Other names: c.3318+4563A>T (NM_015548.5); c.4830+4563A>T (NM_001144769.5); c.4929+4563A>T (NM_001374722.1, NM_001374736.1); c.4956+4563A>T (NM_001374734.1); c.4416+4563A>T (NM_001144770.2); c.4296+4563A>T (NM_001374730.1, NM_001386100.1, NM_183380.4 and 1 more transcripts); short protein forms H1356L.
Identifiers: ClinVar variation 1506227 (VCV001506227.6), dbSNP rs200382338, ClinGen allele CA3870604.